The following is an entry in ClinVar:

ClinVar aggregate classification (germline): Uncertain significance (1 of 4 stars; one submission).

gnomAD v4.1: 6 of 1,614,178 alleles (0.00037%); highest among the groups gnomAD compares: South Asian, 0.0033%; no homozygotes.

Submission:

Labcorp Genetics (formerly Invitae), Labcorp
Classification: Uncertain significance. Last evaluated: 2026-01-12. Review status: criteria provided, single submitter. Criteria: Invitae Variant Classification Sherloc (09022015). Collection method: clinical testing. Allele origin: germline.
Comment: This sequence change replaces arginine, which is basic and polar, with cysteine, which is neutral and slightly polar, at codon 3749 of the KMT2A protein (p.Arg3749Cys). This variant is present in population databases (rs782366377, gnomAD 0.003%). This variant has not been reported in the literature in individuals affected with KMT2A-related conditions. Invitae Evidence Modeling of protein sequence and biophysical properties (such as structural, functional, and spatial information, amino acid conservation, physicochemical variation, residue mobility, and thermodynamic stability) indicates that this missense variant is not expected to disrupt KMT2A protein function with a negative predictive value of 95%. In summary, the available evidence is currently insufficient to determine the role of this variant in disease. Therefore, it has been classified as a Variant of Uncertain Significance.

NM_001197104.2(KMT2A):c.11245C>T (p.Arg3749Cys)

Genes: KMT2A (lysine methyltransferase 2A; plus strand), TTC36-AS1 (TTC36 and KMT2A antisense RNA 1; minus strand). Cytogenetic location: 11q23.3.
Variant type: single nucleotide variant.
Coding change: c.11245C>T on transcript NM_001197104.2 (MANE Select); coding-DNA position 11245, C replaced by T.
Protein change: p.Arg3749Cys; replaces arginine 3749 with cysteine.
Molecular consequence: missense variant.
Genome position (GRCh38, 1-based): chr11:118,519,716, C>T. VCF-style: chr11-118519716-C-T. GRCh37 (hg19) VCF-style: chr11-118390431-C-T.
Other names: c.11335C>T, p.Arg3779Cys (NM_001412597.1); c.11236C>T, p.Arg3746Cys (NM_005933.4); short protein forms R3746C, R3779C, R3749C.
Identifiers: ClinVar variation 4737400 (VCV004737400.1).